The following is an entry in ClinVar:

NM_000399.5(EGR2):c.1366A>T (p.Ser456Cys)

Gene: EGR2 (early growth response 2; minus strand). Cytogenetic location: 10q21.3.
Variant type: single nucleotide variant.
Coding change: c.1366A>T on transcript NM_000399.5 (MANE Select); coding-DNA position 1366, A replaced by T.
Protein change: p.Ser456Cys; replaces serine 456 with cysteine.
Molecular consequence: missense variant.
Genome position (GRCh38, 1-based): chr10:62,813,272, T>A on the plus strand (A>T on the coding strand, the complement: EGR2 is on the minus strand). VCF-style: chr10-62813272-T-A. GRCh37 (hg19) VCF-style: chr10-64573032-T-A.
Other names: c.1366A>T, p.Ser456Cys (NM_001136177.3, NM_001136178.2); c.1216A>T, p.Ser406Cys (NM_001136179.3, NM_001321037.2); c.1405A>T, p.Ser469Cys (NM_001410931.1); short protein forms S469C, S406C, S456C.
Identifiers: ClinVar variation 2703136 (VCV002703136.3), dbSNP rs2492292144, ClinGen allele CA377027020.
Genomic context (GRCh38, chr10:62,813,272, plus strand): 5'-GTGTCCGGGTCCGAGAGGAGCAAGGGGCGAGCGGCCCTCCGCCAAGACTGCTGCTGTTAC[T>A]GCTGCACAGGGTACCCCCAGGCTGCACGCCCCCAGAGCAGGAGGCTGTAGAGGGGGCTGG-3'
Protein context (NP_000390.2, residues 446-466): GVQPGGTLCS[Ser456Cys]NSSSLGGGPL

ClinVar aggregate classification (germline): Uncertain significance (1 of 4 stars; one submission).

Conditions:
Charcot-Marie-Tooth disease, type I (CMT1). Also called: Charcot-Marie-Tooth, Type 1; Charcot-Marie-Tooth disease type 1. Identifiers: Orphanet 65753, MedGen C0751036, MONDO:0019011.

Submission:

Labcorp Genetics (formerly Invitae), Labcorp
Classification: Uncertain significance for Charcot-Marie-Tooth disease, type I. Last evaluated: 2023-12-14. Review status: criteria provided, single submitter. Criteria: Invitae Variant Classification Sherloc (09022015). Collection method: clinical testing. Allele origin: germline.
Comment: This sequence change replaces serine, which is neutral and polar, with cysteine, which is neutral and slightly polar, at codon 456 of the EGR2 protein (p.Ser456Cys). This variant is not present in population databases (gnomAD no frequency). This variant has not been reported in the literature in individuals affected with EGR2-related conditions. Advanced modeling of protein sequence and biophysical properties (such as structural, functional, and spatial information, amino acid conservation, physicochemical variation, residue mobility, and thermodynamic stability) has been performed at Invitae for this missense variant, however the output from this modeling did not meet the statistical confidence thresholds required to predict the impact of this variant on EGR2 protein function. In summary, the available evidence is currently insufficient to determine the role of this variant in disease. Therefore, it has been classified as a Variant of Uncertain Significance.